The following is an entry in ClinVar:

NM_080911.3(UNG):c.906G>A (p.Lys302=)

Gene: UNG (uracil DNA glycosylase; plus strand). Cytogenetic location: 12q24.11.
Variant type: single nucleotide variant.
Coding change: c.906G>A on transcript NM_080911.3 (MANE Select); coding-DNA position 906, G replaced by A.
Protein change: p.Lys302=; no amino-acid change (lysine 302 retained).
Molecular consequence: synonymous variant.
Genome position (GRCh38, 1-based): chr12:109,109,933, G>A. VCF-style: chr12-109109933-G-A. GRCh37 (hg19) VCF-style: chr12-109547738-G-A.
Other names: c.879G>A, p.Lys293= (NM_003362.4); c.906G>A (NM_080911.2).
Identifiers: ClinVar variation 1092045 (VCV001092045.11), dbSNP rs561414480, ClinGen allele CA6772824.

ClinVar aggregate classification (germline): Likely benign. Review status: criteria provided, single submitter (1 of 4 stars). 2 submissions from 2 submitters: Likely benign (1). 1 of the submissions does not count toward it. Last evaluated 2026-01-13.

Conditions:
Hyper-IgM syndrome type 5 (HIGM5). Also called: Hyper-IgM Immunodeficiency Syndrome, Type 5. Identifiers: Orphanet 101092, MedGen C1720958, MONDO:0011971, OMIM 608106.
UNG-related disorder. Also called: UNG-related condition.

Allele frequency attached by ClinVar (database versions not stated): TOPMed below 0.00001; gnomAD exomes 0.00004 and 0.00010; gnomAD 0.00005; ExAC 0.00010; 1000 Genomes Project 30x 0.00062; 1000 Genomes Project 0.00080.
gnomAD v4.1: 76 of 1,614,170 alleles (0.0047%); highest among the groups gnomAD compares: South Asian, 0.075%; 1 homozygote.

Submissions (2):

Labcorp Genetics (formerly Invitae), Labcorp
Classification: Likely benign for Hyper-IgM syndrome type 5. Last evaluated: 2026-01-13. Review status: criteria provided, single submitter. Criteria: Invitae Variant Classification Sherloc (09022015). Collection method: clinical testing. Allele origin: germline.

PreventionGenetics, part of Exact Sciences
Classification: Likely benign for UNG-related condition. Last evaluated: 2019-07-01. Review status: no assertion criteria provided. Collection method: clinical testing. Allele origin: germline. Not counted in ClinVar's aggregate classification.
Comment: This variant is classified as likely benign based on ACMG/AMP sequence variant interpretation guidelines (Richards et al. 2015 PMID: 25741868, with internal and published modifications).